The following is an entry in ClinVar:

NM_001723.7(DST):c.5923C>T (p.Pro1975Ser)

Gene: DST (dystonin; minus strand). Cytogenetic location: 6p12.1.
Variant type: single nucleotide variant.
Coding change: c.5923C>T on transcript NM_001723.7 (MANE Plus Clinical); coding-DNA position 5923, C replaced by T.
Protein change: p.Pro1975Ser; replaces proline 1975 with serine.
Molecular consequence: missense variant. On other transcripts: intron variant (10).
Genome position (GRCh38, 1-based): chr6:56,618,111, G>A on the plus strand (C>T on the coding strand, the complement: DST is on the minus strand). VCF-style: chr6-56618111-G-A. GRCh37 (hg19) VCF-style: chr6-56482909-G-A.
Other names: c.4831-3627C>T (NM_001144769.5); c.4930-3627C>T (NM_001374722.1, NM_001374736.1); c.4957-3627C>T (NM_001374734.1); c.4417-3627C>T (NM_001144770.2); c.4297-3627C>T (NM_001374730.1, NM_001386100.1, NM_183380.4 and 1 more transcripts); c.3319-3627C>T (NM_015548.5); short protein forms P1975S.
Identifiers: ClinVar variation 852917 (VCV000852917.10), dbSNP rs142546557, ClinGen allele CA3870279.

ClinVar aggregate classification (germline): Uncertain significance (1 of 4 stars; one submission).

Conditions:
Hereditary sensory and autonomic neuropathy type 6. Also called: HSAN VI; Neuropathy, hereditary sensory and autonomic, type VI. Identifiers: Orphanet 314381, MedGen C3539003, MONDO:0013839, OMIM 614653.
Epidermolysis bullosa simplex 3, localized or generalized intermediate, with BP230 deficiency (EBS3). Also called: Epidermolysis bullosa simplex due to BP230 deficiency; Epidermolysis bullosa simplex, autosomal recessive 2. Identifiers: Orphanet 412181, MedGen C3809470, MONDO:0014180, OMIM 615425.

Allele frequency attached by ClinVar (database versions not stated): gnomAD exomes 0.00002 and 0.00008; ExAC 0.00007; ESP Exome Variant Server 0.00015; 1000 Genomes Project 30x 0.00031; gnomAD 0.00034 and 0.00036; TOPMed 0.00038; 1000 Genomes Project 0.00040.
gnomAD v4.1: 87 of 1,614,042 alleles (0.0054%); highest among the groups gnomAD compares: African/African-American, 0.097%; no homozygotes.

Submission:

Labcorp Genetics (formerly Invitae), Labcorp
Classification: Uncertain significance for Epidermolysis bullosa simplex 3, localized or generalized intermediate, with BP230 deficiency; Hereditary sensory and autonomic neuropathy type 6. Last evaluated: 2022-01-29. Review status: criteria provided, single submitter. Criteria: Invitae Variant Classification Sherloc (09022015). Collection method: clinical testing. Allele origin: germline.
Comment: This sequence change replaces proline, which is neutral and non-polar, with serine, which is neutral and polar, at codon 1975 of the DST protein (p.Pro1975Ser). This variant is present in population databases (rs142546557, gnomAD 0.1%). This variant has not been reported in the literature in individuals affected with DST-related conditions. ClinVar contains an entry for this variant (Variation ID: 852917). Algorithms developed to predict the effect of missense changes on protein structure and function output the following: SIFT: "Tolerated"; PolyPhen-2: "Benign"; Align-GVGD: "Class C0". The serine amino acid residue is found in multiple mammalian species, which suggests that this missense change does not adversely affect protein function. In summary, the available evidence is currently insufficient to determine the role of this variant in disease. Therefore, it has been classified as a Variant of Uncertain Significance.